The following is an entry in ClinVar:

NM_133379.5(TTN):c.15283T>C (p.Tyr5095His)

Gene: TTN (titin; minus strand). Cytogenetic location: 2q31.2.
Variant type: single nucleotide variant.
Coding change: c.15283T>C on transcript NM_133379.5 (MANE Plus Clinical); coding-DNA position 15283, T replaced by C.
Protein change: p.Tyr5095His; replaces tyrosine 5095 with histidine.
Molecular consequence: missense variant. On other transcripts: intron variant (6).
Genome position (GRCh38, 1-based): chr2:178,747,117, A>G on the plus strand (T>C on the coding strand, the complement: TTN is on the minus strand). VCF-style: chr2-178747117-A-G. GRCh37 (hg19) VCF-style: chr2-179611844-A-G.
Other names: c.10223-5196T>C (NM_003319.4); c.10799-5196T>C (NM_133437.4); c.10598-5196T>C (NM_133432.3); c.10360+6007T>C (NM_133378.4); c.10361-5196T>C (NM_001256850.1); c.11312-5196T>C (NM_001267550.2); short protein forms Y5095H.
Identifiers: ClinVar variation 505037 (VCV000505037.5), dbSNP rs557767596, ClinGen allele CA501237.

ClinVar aggregate classification (germline): Uncertain significance (1 of 4 stars; one submission).

Allele frequency attached by ClinVar (database versions not stated): TOPMed 0.00003; gnomAD 0.00003.
gnomAD v4.1: 4 of 1,605,794 alleles (0.00025%); highest among the groups gnomAD compares: Admixed American, 0.0034%; no homozygotes.

Submission:

Laboratory for Molecular Medicine, Mass General Brigham Personalized Medicine
Classification: Uncertain significance. Last evaluated: 2016-05-18. Review status: criteria provided, single submitter. Criteria: LMM Criteria. Collection method: clinical testing. Allele origin: germline. Observed: 2 variant alleles.
Comment: This variant was absent from large population studies. Computational pr ediction tools and conservation analysis are limited or unavailable for this var iant. In summary, the clinical significance of the p.Tyr5095His variant is uncer tain.

Literature cited by the submitters: PubMed 24503780.